The following is an entry in ClinVar:

NM_001184.4(ATR):c.7249T>G (p.Leu2417Val)

Gene: ATR (ATR checkpoint kinase; minus strand). Cytogenetic location: 3q23.
Variant type: single nucleotide variant.
Coding change: c.7249T>G on transcript NM_001184.4 (MANE Select); coding-DNA position 7249, T replaced by G.
Protein change: p.Leu2417Val; replaces leucine 2417 with valine.
Molecular consequence: missense variant.
Genome position (GRCh38, 1-based): chr3:142,459,327, A>C on the plus strand (T>G on the coding strand, the complement: ATR is on the minus strand). VCF-style: chr3-142459327-A-C. GRCh37 (hg19) VCF-style: chr3-142178169-A-C.
Other names: c.7057T>G, p.Leu2353Val (NM_001354579.2); short protein forms L2417V, L2353V.
Identifiers: ClinVar variation 2453581 (VCV002453581.2), dbSNP rs2108261810, ClinGen allele CA354797795.

ClinVar aggregate classification (germline): Uncertain significance (1 of 4 stars; one submission).

Conditions:
Inborn genetic diseases. Identifiers: MedGen C0950123, MeSH D030342.

Submission:

Ambry Genetics
Classification: Uncertain significance for Inborn genetic diseases. Last evaluated: 2023-01-31. Review status: criteria provided, single submitter. Criteria: Ambry Variant Classification Scheme 2023. Collection method: clinical testing. Allele origin: germline.
Comment: The p.L2417V variant (also known as c.7249T>G), located in coding exon 43 of the ATR gene, results from a T to G substitution at nucleotide position 7249. The leucine at codon 2417 is replaced by valine, an amino acid with highly similar properties. This amino acid position is conserved. In addition, this alteration is predicted to be tolerated by in silico analysis. Since supporting evidence is limited at this time, the clinical significance of this alteration remains unclear.